The following is an entry in ClinVar:

ClinVar aggregate classification (germline): Pathogenic (1 of 4 stars; one submission).

Conditions:
Familial thoracic aortic aneurysm and aortic dissection (TAAD). Also called: Thoracic aortic aneurysms and dissections. Identifiers: Orphanet 91387, MedGen C4707243, MONDO:0019625.
Marfan syndrome (MFS). Also called: MARFAN SYNDROME, TYPE I; Marfan syndrome type 1; Marfan's syndrome; Marfan syndrome, classic; FBN1-Related Marfan Syndrome. Identifiers: Orphanet 284963, Orphanet 558, MedGen C0024796, MONDO:0007947, OMIM 154700.

Submission:

Labcorp Genetics (formerly Invitae), Labcorp
Classification: Pathogenic for Marfan syndrome; Familial thoracic aortic aneurysm and aortic dissection. Last evaluated: 2025-03-25. Review status: criteria provided, single submitter. Criteria: Invitae Variant Classification Sherloc (09022015). Collection method: clinical testing. Allele origin: germline.
Comment: This sequence change replaces cysteine, which is neutral and slightly polar, with tyrosine, which is neutral and polar, at codon 711 of the FBN1 protein (p.Cys711Tyr). This variant is not present in population databases (gnomAD no frequency). This missense change has been observed in individuals with Marfan syndrome (PMID: 8863159, 27906200, 33174221). ClinVar contains an entry for this variant (Variation ID: 2137705). Invitae Evidence Modeling of protein sequence and biophysical properties (such as structural, functional, and spatial information, amino acid conservation, physicochemical variation, residue mobility, and thermodynamic stability) indicates that this missense variant is expected to disrupt FBN1 protein function with a positive predictive value of 95%. This variant affects a cysteine residue in the EGF-like, TGFBP or hybrid motif domains of FBN1. Cysteine residues are believed to be involved in intramolecular disulfide bridges and have been shown to be important for FBN1 protein structure (PMID: 16905551, 19349279). In addition, missense substitutions affecting cysteine residues within these domains are significantly overrepresented among patients with Marfan syndrome (PMID: 16571647, 17701892). For these reasons, this variant has been classified as Pathogenic.

Literature cited by the submitters: PubMed 8863159; PubMed 27906200; PubMed 33174221; PubMed 16905551; PubMed 19349279; PubMed 16571647; PubMed 17701892.

NM_000138.5(FBN1):c.2132G>A (p.Cys711Tyr)

Gene: FBN1 (fibrillin 1; minus strand). Cytogenetic location: 15q21.1.
Variant type: single nucleotide variant.
Coding change: c.2132G>A on transcript NM_000138.5 (MANE Select); coding-DNA position 2132, G replaced by A.
Protein change: p.Cys711Tyr; replaces cysteine 711 with tyrosine.
Molecular consequence: missense variant.
Genome position (GRCh38, 1-based): chr15:48,499,020, C>T on the plus strand (G>A on the coding strand, the complement: FBN1 is on the minus strand). VCF-style: chr15-48499020-C-T. GRCh37 (hg19) VCF-style: chr15-48791217-C-T.
Other names: c.2132G>A, p.Cys711Tyr (NM_001406716.1); short protein forms C711Y.
Identifiers: ClinVar variation 2137705 (VCV002137705.4), dbSNP rs2505580391, ClinGen allele CA392336322.